The following is an entry in ClinVar:

ClinVar aggregate classification (germline): Uncertain significance (1 of 4 stars; one submission).

Allele frequency attached by ClinVar (database versions not stated): ExAC 0.00001; gnomAD 0.00001; TOPMed 0.00001.
gnomAD v4.1: 15 of 1,613,920 alleles (0.00093%); highest among the groups gnomAD compares: East Asian, 0.0022%; no homozygotes.

Submission:

Labcorp Genetics (formerly Invitae), Labcorp
Classification: Uncertain significance. Last evaluated: 2023-08-02. Review status: criteria provided, single submitter. Criteria: Invitae Variant Classification Sherloc (09022015). Collection method: clinical testing. Allele origin: germline.
Comment: Experimental studies and prediction algorithms are not available or were not evaluated, and the functional significance of this variant is currently unknown. This sequence change replaces arginine, which is basic and polar, with glutamine, which is neutral and polar, at codon 1505 of the PHIP protein (p.Arg1505Gln). This variant is present in population databases (rs747934036, gnomAD 0.006%). This variant has not been reported in the literature in individuals affected with PHIP-related conditions. In summary, the available evidence is currently insufficient to determine the role of this variant in disease. Therefore, it has been classified as a Variant of Uncertain Significance.

NM_017934.7(PHIP):c.4514G>A (p.Arg1505Gln)

Genes: IRAK1BP1 (interleukin 1 receptor associated kinase 1 binding protein 1; plus strand), PHIP (PHIP subunit of CUL4-Ring ligase complex; minus strand). Cytogenetic location: 6q14.1.
Variant type: single nucleotide variant.
Coding change: c.4514G>A on transcript NM_017934.7 (MANE Select); coding-DNA position 4514, G replaced by A.
Protein change: p.Arg1505Gln; replaces arginine 1505 with glutamine.
Molecular consequence: missense variant.
Genome position (GRCh38, 1-based): chr6:78,946,117, C>T on the plus strand (G>A on the coding strand, the complement: PHIP is on the minus strand). VCF-style: chr6-78946117-C-T. GRCh37 (hg19) VCF-style: chr6-79655834-C-T.
Other names: short protein forms R1505Q.
Identifiers: ClinVar variation 3017664 (VCV003017664.3), dbSNP rs747934036, ClinGen allele CA3899433.